The following is an entry in ClinVar:

ClinVar aggregate classification (germline): Uncertain significance (1 of 4 stars; one submission).

Conditions:
Cardiovascular phenotype. Identifiers: MedGen CN230736.

Submission:

Ambry Genetics
Classification: Uncertain significance for Cardiovascular phenotype. Last evaluated: 2023-08-11. Review status: criteria provided, single submitter. Criteria: Ambry Variant Classification Scheme 2023. Collection method: clinical testing. Allele origin: germline.
Comment: The p.Y271C variant (also known as c.812A>G), located in coding exon 6 of the PRKAG2 gene, results from an A to G substitution at nucleotide position 812. The tyrosine at codon 271 is replaced by cysteine, an amino acid with highly dissimilar properties. This amino acid position is conserved. In addition, this alteration is predicted to be deleterious by in silico analysis. Since supporting evidence is limited at this time, the clinical significance of this alteration remains unclear.

NM_016203.4(PRKAG2):c.812A>G (p.Tyr271Cys)

Gene: PRKAG2 (protein kinase AMP-activated non-catalytic subunit gamma 2; minus strand). Cytogenetic location: 7q36.1.
Variant type: single nucleotide variant.
Coding change: c.812A>G on transcript NM_016203.4 (MANE Select); coding-DNA position 812, A replaced by G.
Protein change: p.Tyr271Cys; replaces tyrosine 271 with cysteine.
Molecular consequence: missense variant.
Genome position (GRCh38, 1-based): chr7:151,595,397, T>C on the plus strand (A>G on the coding strand, the complement: PRKAG2 is on the minus strand). VCF-style: chr7-151595397-T-C. GRCh37 (hg19) VCF-style: chr7-151292483-T-C.
Other names: c.680A>G, p.Tyr227Cys (NM_001040633.2, NM_001407024.1); c.437A>G, p.Tyr146Cys (NM_001304527.2, NM_001407029.1); c.89A>G, p.Tyr30Cys (NM_001304531.2, NM_001407034.1, NM_001407035.1 and 1 more transcripts); c.440A>G, p.Tyr147Cys (NM_001363698.2, NM_001407028.1); c.812A>G, p.Tyr271Cys (NM_001407021.1); c.809A>G, p.Tyr270Cys (NM_001407022.1, NM_001407023.1); c.677A>G, p.Tyr226Cys (NM_001407026.1, NM_001407027.1); c.524A>G, p.Tyr175Cys (NM_001407030.1); and 6 more; short protein forms Y146C, Y175C, Y226C, Y270C, Y147C, Y165C, Y29C, Y30C.
Identifiers: ClinVar variation 2587190 (VCV002587190.2), dbSNP rs2536586997, ClinGen allele CA370069351.